The following is an entry in ClinVar:

ClinVar aggregate classification (germline): Uncertain significance. Review status: criteria provided, multiple submitters, no conflicts (2 of 4 stars). 2 submissions from 2 submitters: Uncertain significance (2). Last evaluated 2022-08-11.

Conditions:
Hereditary cancer-predisposing syndrome. Also called: Hereditary Cancer Syndrome; Hereditary neoplastic syndrome; Neoplastic Syndromes, Hereditary; Tumor predisposition. Identifiers: Orphanet 140162, MedGen C0027672, MeSH D009386, MONDO:0015356.

Allele frequency attached by ClinVar (database versions not stated): ExAC 0.00001; gnomAD 0.00001; gnomAD exomes 0.00001; TOPMed 0.00001.
gnomAD v4.1: 13 of 1,612,714 alleles (0.00081%); highest among the groups gnomAD compares: African/African-American, 0.0013%; no homozygotes.

Submissions (2):

Ambry Genetics
Classification: Uncertain significance for Hereditary cancer-predisposing syndrome. Last evaluated: 2022-08-11. Review status: criteria provided, single submitter. Criteria: Ambry Variant Classification Scheme 2023. Collection method: clinical testing. Allele origin: germline.
Comment: The p.E19K variant (also known as c.55G>A), located in coding exon 2 of the XRCC2 gene, results from a G to A substitution at nucleotide position 55. The glutamic acid at codon 19 is replaced by lysine, an amino acid with similar properties. This alteration has been reported in at least one subject in a study of 13087 breast cancer cases and 5488 control individuals in the UK (Decker B et al. J Med Genet, 2017 11;54:732-741). This amino acid position is highly conserved in available vertebrate species. In addition, this alteration is predicted to be tolerated by in silico analysis. Since supporting evidence is limited at this time, the clinical significance of this alteration remains unclear.

Labcorp Genetics (formerly Invitae), Labcorp
Classification: Uncertain significance. Last evaluated: 2022-02-11. Review status: criteria provided, single submitter. Criteria: Invitae Variant Classification Sherloc (09022015). Collection method: clinical testing. Allele origin: germline.
Comment: In summary, the available evidence is currently insufficient to determine the role of this variant in disease. Therefore, it has been classified as a Variant of Uncertain Significance. Algorithms developed to predict the effect of missense changes on protein structure and function are either unavailable or do not agree on the potential impact of this missense change (SIFT: "Deleterious"; PolyPhen-2: "Probably Damaging"; Align-GVGD: "Class C0"). This variant has not been reported in the literature in individuals affected with XRCC2-related conditions. This variant is present in population databases (rs766826828, gnomAD 0.007%). This sequence change replaces glutamic acid, which is acidic and polar, with lysine, which is basic and polar, at codon 19 of the XRCC2 protein (p.Glu19Lys).

Literature cited by the submitters: PubMed 28779002 (cited by Ambry Genetics).

NM_005431.2(XRCC2):c.55G>A (p.Glu19Lys)

Gene: XRCC2 (X-ray repair cross complementing 2; minus strand). Cytogenetic location: 7q36.1.
Variant type: single nucleotide variant.
Coding change: c.55G>A on transcript NM_005431.2 (MANE Select); coding-DNA position 55, G replaced by A.
Protein change: p.Glu19Lys; replaces glutamic acid 19 with lysine.
Molecular consequence: missense variant.
Genome position (GRCh38, 1-based): chr7:152,660,767, C>T on the plus strand (G>A on the coding strand, the complement: XRCC2 is on the minus strand). VCF-style: chr7-152660767-C-T. GRCh37 (hg19) VCF-style: chr7-152357852-C-T.
Other names: short protein forms E19K.
Identifiers: ClinVar variation 1748557 (VCV001748557.7), dbSNP rs766826828, ClinGen allele CA4582410.